The following is an entry in ClinVar:

NM_031433.4(MFRP):c.1250C>T (p.Thr417Met)

Genes: C1QTNF5 (C1q and TNF related 5; minus strand), MFRP (membrane frizzled-related protein; minus strand). Cytogenetic location: 11q23.3.
Variant type: single nucleotide variant.
Coding change: c.1250C>T on transcript NM_031433.4 (MANE Select); coding-DNA position 1250, C replaced by T.
Protein change: p.Thr417Met; replaces threonine 417 with methionine.
Molecular consequence: missense variant. On other transcripts: 5 prime UTR variant (1).
Genome position (GRCh38, 1-based): chr11:119,342,878, G>A on the plus strand (C>T on the coding strand, the complement: MFRP is on the minus strand). VCF-style: chr11-119342878-G-A. GRCh37 (hg19) VCF-style: chr11-119213588-G-A.
Other names: c.-1387C>T (NM_015645.5); short protein forms T417M.
Identifiers: ClinVar variation 842320 (VCV000842320.8), dbSNP rs767672258, ClinGen allele CA6320201.

ClinVar aggregate classification (germline): Uncertain significance. Review status: criteria provided, multiple submitters, no conflicts (2 of 4 stars). 3 submissions from 3 submitters: Uncertain significance (3). Last evaluated 2025-04-13.

Conditions:
Isolated microphthalmia 5. Also called: Posterior Microphthalmia with Retinitis Pigmentosa, Foveoschisis, and Optic Disc Drusen. Identifiers: Orphanet 251279, MedGen C1970236, MONDO:0012605, OMIM 611040.
Inborn genetic diseases. Identifiers: MedGen C0950123, MeSH D030342.

Allele frequency attached by ClinVar (database versions not stated): TOPMed below 0.00001; gnomAD 0.00004; gnomAD exomes 0.00005 and 0.00004; ExAC 0.00005.
gnomAD v4.1: 68 of 1,612,948 alleles (0.0042%); highest among the groups gnomAD compares: Non-Finnish European, 0.0042%; no homozygotes.

Submissions (3):

Ambry Genetics
Classification: Uncertain significance for Inborn genetic diseases. Last evaluated: 2025-04-13. Review status: criteria provided, single submitter. Criteria: Ambry Variant Classification Scheme 2023. Collection method: clinical testing. Allele origin: germline.

Blueprint Genetics
Classification: Uncertain significance. Last evaluated: 2022-10-27. Review status: criteria provided, single submitter. Criteria: ACMG Guidelines, 2015. Collection method: clinical testing. Allele origin: germline.

Labcorp Genetics (formerly Invitae), Labcorp
Classification: Uncertain significance for Isolated microphthalmia 5. Last evaluated: 2022-08-10. Review status: criteria provided, single submitter. Criteria: Invitae Variant Classification Sherloc (09022015). Collection method: clinical testing. Allele origin: germline.
Comment: This sequence change replaces threonine, which is neutral and polar, with methionine, which is neutral and non-polar, at codon 417 of the MFRP protein (p.Thr417Met). This variant is present in population databases (rs767672258, gnomAD 0.03%). This variant has not been reported in the literature in individuals affected with MFRP-related conditions. ClinVar contains an entry for this variant (Variation ID: 842320). Algorithms developed to predict the effect of missense changes on protein structure and function are either unavailable or do not agree on the potential impact of this missense change (SIFT: "Tolerated"; PolyPhen-2: "Probably Damaging"; Align-GVGD: "Class C0"). In summary, the available evidence is currently insufficient to determine the role of this variant in disease. Therefore, it has been classified as a Variant of Uncertain Significance.